The following is an entry in ClinVar:

ClinVar aggregate classification (germline): Benign. Review status: criteria provided, multiple submitters, no conflicts (2 of 4 stars). 2 submissions from 2 submitters: Benign (2). Last evaluated 2024-07-31.

Allele frequency attached by ClinVar (database versions not stated): 1000 Genomes Project 30x 0.22064; 1000 Genomes Project 0.22204; TOPMed 0.26287; gnomAD 0.27874 and 0.27966; ESP Exome Variant Server 0.29139; gnomAD exomes 0.31685; ExAC 0.32334.
gnomAD v4.1: 537,749 of 1,611,080 alleles (33%); highest among the groups gnomAD compares: Non-Finnish European, 36%; 93,455 homozygotes.

Submissions (2):

Unidad de Genómica Garrahan, Hospital de Pediatría Garrahan
Classification: Benign. Last evaluated: 2024-07-31. Review status: criteria provided, single submitter. Criteria: ACMG Guidelines, 2015. Collection method: clinical testing. Allele origin: germline. Affected: no. Observed: 47 variant alleles.
Comment: This variant is classified as Benign based on local population frequency. This variant was detected in 51% of patients studied in a panel designed for Epileptic and Developmental Encephalopathy, Progressive Myoclonus Epilepsy and Abnormal Movements and Neurodegeneration with brain iron accumulation. Number of patients: 47. Only high quality variants are reported.

GeneDx
Classification: Benign. Last evaluated: 2018-06-23. Review status: criteria provided, single submitter. Criteria: GeneDx Variant Classification Process June 2021. Collection method: clinical testing. Allele origin: germline. Affected: yes.

NM_020442.6(VARS2):c.201+42A>G

Gene: VARS2 (valyl-tRNA synthetase 2, mitochondrial; plus strand). Cytogenetic location: 6p21.33.
Variant type: single nucleotide variant.
Coding change: c.201+42A>G on transcript NM_020442.6 (MANE Select); 42 bases into the intron after coding-DNA position 201, A replaced by G.
Molecular consequence: intron variant.
Genome position (GRCh38, 1-based): chr6:30,915,079, A>G. VCF-style: chr6-30915079-A-G. GRCh37 (hg19) VCF-style: chr6-30882856-A-G.
Other names: c.291+42A>G (NM_001167734.2); c.-219-77A>G (NM_001167733.3).
Identifiers: ClinVar variation 1255276 (VCV001255276.4), dbSNP rs1264300, ClinGen allele CA3705521.